The following is an entry in ClinVar:

NM_000426.4(LAMA2):c.5449AAG[1] (p.Lys1818del)

Gene: LAMA2 (laminin subunit alpha 2; plus strand). Cytogenetic location: 6q22.33.
Variant type: Microsatellite.
Coding change: c.5449AAG[1] on transcript NM_000426.4 (MANE Select); one copy of the 3-base unit AAG starting at c.5449; the reference has two copies in a row; one copy, 3 bases deleted.
Protein change: p.Lys1818del; deletes lysine 1818.
Molecular consequence: inframe deletion.
Genome position (GRCh38, 1-based): chr6:129,401,230-129,401,232, AAG deleted; deleting any 3 consecutive bases within chr6:129,401,227-129,401,232 gives the same sequence; the position shown is the placement nearest the transcript's 3' end. VCF-style (leftmost placement, unchanged base first): chr6-129401226-AAAG-A. GRCh37 (hg19) VCF-style: chr6-129722371-AAAG-A.
Other names: c.5452_5454delAAG (NM_000426.3); c.5449AAG[1], p.Lys1818del (NM_001079823.2); short protein forms K1818del.
Identifiers: ClinVar variation 555582 (VCV000555582.5), dbSNP rs1225610123, ClinGen allele CA570055483.
Genomic context (GRCh38, chr6:129,401,226, plus strand): 5'-CAAGGGGTAGGATTTTATGAAAATGCAATTTTGATGTCTTGTTCATAATGGTCTACAGAA[AAAG>A]AAGGAGGCTGTTGAAAGCGGCAAACGACAAATTGAGAACACTTTAAAAGAGGGCAATGAC-3'

ClinVar aggregate classification (germline): Uncertain significance. Review status: criteria provided, single submitter (1 of 4 stars). 2 submissions from 2 submitters: Uncertain significance (1). 1 of the submissions does not count toward it. Last evaluated 2024-12-03.

Conditions:
LAMA2-related muscular dystrophy (LAMA2-RD). Also called: Laminin alpha 2-related dystrophy. Identifiers: MedGen C5679788, MONDO:0100228.
Merosin deficient congenital muscular dystrophy (MDC1A). Also called: Congenital Muscular Dystrophy Type 1A (MDC1A); Congenital merosin-deficient muscular dystrophy 1A. Identifiers: Orphanet 258, MedGen C1263858, MONDO:0011925, OMIM 607855.

Submissions (2):

Labcorp Genetics (formerly Invitae), Labcorp
Classification: Uncertain significance for LAMA2-related muscular dystrophy. Last evaluated: 2024-12-03. Review status: criteria provided, single submitter. Criteria: Invitae Variant Classification Sherloc (09022015). Collection method: clinical testing. Allele origin: germline.
Comment: This variant, c.5452_5454del, results in the deletion of 1 amino acid(s) of the LAMA2 protein (p.Lys1818del), but otherwise preserves the integrity of the reading frame. This variant is present in population databases (no rsID available, gnomAD 0.003%). This variant has not been reported in the literature in individuals affected with LAMA2-related conditions. In summary, the available evidence is currently insufficient to determine the role of this variant in disease. Therefore, it has been classified as a Variant of Uncertain Significance.

Counsyl
Classification: Uncertain significance for Merosin deficient congenital muscular dystrophy. Last evaluated: 2017-12-18. Review status: no assertion criteria provided. Collection method: clinical testing. Allele origin: unknown. Not counted in ClinVar's aggregate classification.